The following is an entry in ClinVar:

ClinVar aggregate classification (germline): Uncertain significance (1 of 4 stars; one submission).

Conditions:
Ehlers-Danlos syndrome, classic type, 1 (EDSCL1). Also called: EHLERS-DANLOS SYNDROME, GRAVIS TYPE; EHLERS-DANLOS SYNDROME, SEVERE CLASSIC TYPE; Ehlers-Danlos syndrome, type 1; Ehlers-Danlos Syndrome, Classic Type, COL5A1-Related; EDS I. Identifiers: MedGen C0268335, MONDO:0019567, OMIM 130000.

gnomAD v4.1: 4 of 1,614,090 alleles (0.00025%); highest among the groups gnomAD compares: East Asian, 0.0022%; no homozygotes.

Submission:

Labcorp Genetics (formerly Invitae), Labcorp
Classification: Uncertain significance for Ehlers-Danlos syndrome, classic type, 1. Last evaluated: 2025-12-03. Review status: criteria provided, single submitter. Criteria: Invitae Variant Classification Sherloc (09022015). Collection method: clinical testing. Allele origin: germline.
Comment: This sequence change replaces proline, which is neutral and non-polar, with threonine, which is neutral and polar, at codon 1192 of the COL5A2 protein (p.Pro1192Thr). This variant is present in population databases (rs374770535, gnomAD 0.007%). This variant has not been reported in the literature in individuals affected with COL5A2-related conditions. Invitae Evidence Modeling of protein sequence and biophysical properties (such as structural, functional, and spatial information, amino acid conservation, physicochemical variation, residue mobility, and thermodynamic stability) indicates that this missense variant is not expected to disrupt COL5A2 protein function with a negative predictive value of 80%. In summary, the available evidence is currently insufficient to determine the role of this variant in disease. Therefore, it has been classified as a Variant of Uncertain Significance.

NM_000393.5(COL5A2):c.3574C>A (p.Pro1192Thr)

Gene: COL5A2 (collagen type V alpha 2 chain; minus strand). Cytogenetic location: 2q32.2.
Variant type: single nucleotide variant.
Coding change: c.3574C>A on transcript NM_000393.5 (MANE Select); coding-DNA position 3574, C replaced by A.
Protein change: p.Pro1192Thr; replaces proline 1192 with threonine.
Molecular consequence: missense variant.
Genome position (GRCh38, 1-based): chr2:189,041,645, G>T on the plus strand (C>A on the coding strand, the complement: COL5A2 is on the minus strand). VCF-style: chr2-189041645-G-T. GRCh37 (hg19) VCF-style: chr2-189906371-G-T.
Other names: short protein forms P1192T.
Identifiers: ClinVar variation 4761279 (VCV004761279.1).